The following is an entry in ClinVar:

ClinVar aggregate classification (germline): Uncertain significance (1 of 4 stars; one submission).

Conditions:
Tumor predisposition syndrome 3 (TPDS3). Also called: Melanoma, cutaneous malignant, susceptibility to, 10; Glioma susceptibility 9; LONG TELOMERE SYNDROME, POT1-RELATED; POT1 Tumor Predisposition. Identifiers: Orphanet 618, MedGen C4014476, MONDO:0014368, OMIM 615848.

Submission:

Labcorp Genetics (formerly Invitae), Labcorp
Classification: Uncertain significance for Tumor predisposition syndrome 3. Last evaluated: 2020-03-10. Review status: criteria provided, single submitter. Criteria: Invitae Variant Classification Sherloc (09022015). Collection method: clinical testing. Allele origin: germline.
Comment: In summary, the available evidence is currently insufficient to determine the role of this variant in disease. Therefore, it has been classified as a Variant of Uncertain Significance. This sequence change replaces phenylalanine with leucine at codon 31 of the POT1 protein (p.Phe31Leu). The phenylalanine residue is highly conserved and there is a small physicochemical difference between phenylalanine and leucine. This variant is not present in population databases (ExAC no frequency). This variant has not been reported in the literature in individuals with POT1-related conditions. Algorithms developed to predict the effect of missense changes on protein structure and function are either unavailable or do not agree on the potential impact of this missense change (SIFT: "Deleterious"; PolyPhen-2: "Probably Damaging"; Align-GVGD: "Class C0").

NM_015450.3(POT1):c.93C>A (p.Phe31Leu)

Gene: POT1 (protection of telomeres 1; minus strand). Cytogenetic location: 7q31.33.
Variant type: single nucleotide variant.
Coding change: c.93C>A on transcript NM_015450.3 (MANE Select); coding-DNA position 93, C replaced by A.
Protein change: p.Phe31Leu; replaces phenylalanine 31 with leucine.
Molecular consequence: missense variant. On other transcripts: 5 prime UTR variant (1), non-coding transcript variant (3).
Genome position (GRCh38, 1-based): chr7:124,892,297, G>T on the plus strand (C>A on the coding strand, the complement: POT1 is on the minus strand). VCF-style: chr7-124892297-G-T. GRCh37 (hg19) VCF-style: chr7-124532351-G-T.
Other names: c.-170C>A (NM_001042594.2); short protein forms F31L.
Identifiers: ClinVar variation 1062953 (VCV001062953.9), dbSNP rs1584791969, ClinGen allele CA369066066.